The following is an entry in ClinVar:

NM_001127198.5(TMC6):c.2096G>A (p.Arg699His)

Gene: TMC6 (transmembrane channel like 6; minus strand). Cytogenetic location: 17q25.3.
Variant type: single nucleotide variant.
Coding change: c.2096G>A on transcript NM_001127198.5 (MANE Select); coding-DNA position 2096, G replaced by A.
Protein change: p.Arg699His; replaces arginine 699 with histidine.
Molecular consequence: missense variant. On other transcripts: non-coding transcript variant (4).
Genome position (GRCh38, 1-based): chr17:78,117,570, C>T on the plus strand (G>A on the coding strand, the complement: TMC6 is on the minus strand). VCF-style: chr17-78117570-C-T. GRCh37 (hg19) VCF-style: chr17-76113651-C-T.
Other names: c.2096G>A, p.Arg699His (NM_001321185.1, NM_001374596.1, NM_001375353.1 and 2 more transcripts); c.1916G>A, p.Arg639His (NM_001374593.1, NM_001374594.1); short protein forms R699H, R639H.
Identifiers: ClinVar variation 1389990 (VCV001389990.4), dbSNP rs763442488, ClinGen allele CA8795431.

ClinVar aggregate classification (germline): Conflicting classifications of pathogenicity. Review status: criteria provided, conflicting classifications (1 of 4 stars). 2 submissions from 2 submitters: Uncertain significance (1); Likely benign (1). Last evaluated 2024-08-22.

Conditions:
Epidermodysplasia verruciformis. Identifiers: Orphanet 302, MedGen C0014522, MONDO:0009176.

Allele frequency attached by ClinVar (database versions not stated): gnomAD 0.00001; gnomAD exomes 0.00001; TOPMed 0.00001; ExAC 0.00004.

Submissions (2):

Blueprint Genetics
Classification: Likely benign. Last evaluated: 2024-08-22. Review status: criteria provided, single submitter. Criteria: ACMG Guidelines, 2015. Collection method: clinical testing. Allele origin: germline.

Labcorp Genetics (formerly Invitae), Labcorp
Classification: Uncertain significance for Epidermodysplasia verruciformis. Last evaluated: 2022-06-15. Review status: criteria provided, single submitter. Criteria: Invitae Variant Classification Sherloc (09022015). Collection method: clinical testing. Allele origin: germline.
Comment: This sequence change replaces arginine, which is basic and polar, with histidine, which is basic and polar, at codon 699 of the TMC6 protein (p.Arg699His). The frequency data for this variant in the population databases is considered unreliable, as metrics indicate poor data quality at this position in the gnomAD database. This variant has not been reported in the literature in individuals affected with TMC6-related conditions. Algorithms developed to predict the effect of missense changes on protein structure and function output the following: SIFT: "Not Available"; PolyPhen-2: "Benign"; Align-GVGD: "Not Available". The histidine amino acid residue is found in multiple mammalian species, which suggests that this missense change does not adversely affect protein function. In summary, the available evidence is currently insufficient to determine the role of this variant in disease. Therefore, it has been classified as a Variant of Uncertain Significance.